The following is an entry in ClinVar:

NM_004370.6(COL12A1):c.6339T>C (p.Thr2113=)

Gene: COL12A1 (collagen type XII alpha 1 chain; minus strand). Cytogenetic location: 6q13.
Variant type: single nucleotide variant.
Coding change: c.6339T>C on transcript NM_004370.6 (MANE Select); coding-DNA position 6339, T replaced by C.
Protein change: p.Thr2113=; no amino-acid change (threonine 2113 retained).
Molecular consequence: synonymous variant.
Genome position (GRCh38, 1-based): chr6:75,128,297, A>G on the plus strand (T>C on the coding strand, the complement: COL12A1 is on the minus strand). VCF-style: chr6-75128297-A-G. GRCh37 (hg19) VCF-style: chr6-75838013-A-G.
Other names: c.2847T>C, p.Thr949= (NM_080645.3).
Identifiers: ClinVar variation 1009102 (VCV001009102.9), dbSNP rs1766115548, ClinGen allele CA450920696.

ClinVar aggregate classification (germline): Uncertain significance (1 of 4 stars; one submission).

Conditions:
Ullrich congenital muscular dystrophy 2 (UCMD2). Identifiers: Orphanet 75840, MedGen C4225314, MONDO:0014654, OMIM 616470.
Bethlem myopathy 2 (BTHLM2). Identifiers: Orphanet 536516, Orphanet 610, MedGen C4225313, MONDO:0034022, OMIM 616471.

Submission:

Labcorp Genetics (formerly Invitae), Labcorp
Classification: Uncertain significance for Bethlem myopathy 2; Ullrich congenital muscular dystrophy 2. Last evaluated: 2020-04-13. Review status: criteria provided, single submitter. Criteria: Invitae Variant Classification Sherloc (09022015). Collection method: clinical testing. Allele origin: germline.
Comment: In summary, the available evidence is currently insufficient to determine the role of this variant in disease. Therefore, it has been classified as a Variant of Uncertain Significance. This sequence change affects codon 2113 of the COL12A1 mRNA. It is a 'silent' change, meaning that it does not change the encoded amino acid sequence of the COL12A1 protein. This variant is not present in population databases (ExAC no frequency). This variant has not been reported in the literature in individuals with COL12A1-related conditions. Algorithms developed to predict the effect of sequence changes on RNA splicing suggest that this variant is not likely to affect RNA splicing, but this prediction has not been confirmed by published transcriptional studies.